The following is an entry in ClinVar:

NM_007294.4(BRCA1):c.3748_3749insC (p.Glu1250fs)

Genes: BRCA1 (BRCA1 DNA repair associated; minus strand), LOC126862571 (BRD4-independent group 4 enhancer GRCh37_chr17:41243136-41244335; plus strand). Cytogenetic location: 17q21.31.
Variant type: Insertion.
Coding change: c.3748_3749insC on transcript NM_007294.4 (MANE Select); coding-DNA positions 3748 to 3749, C inserted.
Protein change: p.Glu1250fs; shifts the reading frame from glutamic acid 1250.
Molecular consequence: frameshift variant. On other transcripts: intron variant (135).
Genome position: GRCh38 VCF-style: chr17-43091782-T-TG. GRCh37 (hg19) VCF-style: chr17-41243799-T-TG.
Other names: c.3670_3671insC, p.Glu1224fs (NM_001407657.1, NM_001407658.1, NM_001407663.1 and 4 more transcripts); c.3667_3668insC, p.Glu1223fs (NM_001407659.1, NM_001407660.1, NM_001407661.1 and 1 more transcripts); c.3625_3626insC, p.Glu1209fs (NM_001407664.1, NM_001407665.1, NM_001407666.1 and 19 more transcripts); c.3622_3623insC, p.Glu1208fs (NM_001407670.1, NM_001407671.1, NM_001407672.1 and 11 more transcripts); c.3748_3749insC, p.Glu1250fs (NM_001407684.1, NM_001407854.1, NM_001407858.1 and 30 more transcripts); c.3607_3608insC, p.Glu1203fs (NM_001407692.1, NM_001407694.1, NM_001407695.1 and 29 more transcripts); c.3604_3605insC, p.Glu1202fs (NM_001407740.1, NM_001407741.1, NM_001407742.1 and 20 more transcripts); c.3535_3536insC, p.Glu1179fs (NM_001407853.1, NM_001407894.1, NM_001407895.1 and 9 more transcripts); and 41 more; short protein forms E1250fs, E1203fs, E1138fs, E1161fs, E1182fs, E1208fs, E1209fs, E1223fs.
Identifiers: ClinVar variation 548228 (VCV000548228.2), dbSNP rs1555587165, ClinGen allele CA658823947.

ClinVar aggregate classification (germline): Pathogenic (3 of 4 stars; one submission).

Conditions:
Breast-ovarian cancer, familial, susceptibility to, 1 (BROVCA1). Also called: BRCA1 Hereditary Breast and Ovarian Cancer; OVARIAN CANCER, SUSCEPTIBILITY TO. Identifiers: Orphanet 145, MedGen C2676676, MONDO:0011450, OMIM 604370. Disease mechanism: loss of function.

Submission:

Evidence-based Network for the Interpretation of Germline Mutant Alleles (ENIGMA)
Classification: Pathogenic for Breast-ovarian cancer, familial, susceptibility to, 1. Last evaluated: 2017-12-15. Review status: reviewed by expert panel. Criteria: ENIGMA BRCA1/2 Classification Criteria (2017-06-29). Collection method: curation. Allele origin: germline. Study: ENIGMA.
Comment: Variant allele predicted to encode a truncated non-functional protein.